The following is an entry in ClinVar:

ClinVar aggregate classification (germline): Conflicting classifications of pathogenicity. Review status: criteria provided, conflicting classifications (1 of 4 stars). 2 submissions from 2 submitters: Uncertain significance (1); Likely benign (1). Last evaluated 2024-05-08.

Conditions:
Familial cancer of breast. Also called: Hereditary breast cancer; BREAST CANCER, FAMILIAL; hereditary breast carcinoma. Identifiers: Orphanet 227535, MedGen C0346153, MONDO:0016419, OMIM 114480. Disease mechanism: loss of function.
Hereditary cancer-predisposing syndrome. Also called: Hereditary Cancer Syndrome; Neoplastic Syndromes, Hereditary; Tumor predisposition; Hereditary neoplastic syndrome. Identifiers: Orphanet 140162, MedGen C0027672, MeSH D009386, MONDO:0015356.

Submissions (2):

Myriad Genetics, Inc.
Classification: Likely benign for Familial cancer of breast. Last evaluated: 2024-05-08. Review status: criteria provided, single submitter. Criteria: Myriad Autosomal Dominant, Autosomal Recessive and X-Linked Classification Criteria (2023). Collection method: clinical testing. Allele origin: unknown.
Comment: This variant is considered likely benign. This variant is intronic and is not expected to impact mRNA splicing.

Color Diagnostics, LLC DBA Color Health
Classification: Uncertain significance for Hereditary cancer-predisposing syndrome. Last evaluated: 2018-08-02. Review status: criteria provided, single submitter. Criteria: ACMG Guidelines, 2015. Collection method: clinical testing. Allele origin: germline.

NM_000051.4(ATM):c.2251-6C>T

Gene: ATM (ATM serine/threonine kinase; plus strand). Cytogenetic location: 11q22.3.
Variant type: single nucleotide variant.
Coding change: c.2251-6C>T on transcript NM_000051.4 (MANE Select); 6 bases into the intron before coding-DNA position 2251, C replaced by T.
Molecular consequence: intron variant.
Genome position (GRCh38, 1-based): chr11:108,257,475, C>T. VCF-style: chr11-108257475-C-T. GRCh37 (hg19) VCF-style: chr11-108128202-C-T.
Other names: c.2251-6C>T (NM_001351834.2).
Identifiers: ClinVar variation 490464 (VCV000490464.4), dbSNP rs1555075617, ClinGen allele CA658683740.